The following is an entry in ClinVar:

ClinVar aggregate classification (germline): Benign/Likely benign. Review status: criteria provided, multiple submitters, no conflicts (2 of 4 stars). 6 submissions from 6 submitters: Benign (3); Likely benign (2). 1 of the submissions does not count toward it. Last evaluated 2026-01-28.

Conditions:
Primary ciliary dyskinesia. Also called: Ciliary dyskinesia. Identifiers: Orphanet 244, MedGen C0008780, MONDO:0016575, HP:0012265.

Allele frequency attached by ClinVar (database versions not stated): gnomAD exomes 0.00030 and 0.00085; ExAC 0.00092; 1000 Genomes Project 0.00240; 1000 Genomes Project 30x 0.00265; gnomAD 0.00329 and 0.00359; TOPMed 0.00376; ESP Exome Variant Server 0.00438.
gnomAD v4.1: 947 of 1,614,162 alleles (0.059%); highest among the groups gnomAD compares: African/African-American, 1.2%; 2 homozygotes.

Submissions (6):

Labcorp Genetics (formerly Invitae), Labcorp
Classification: Benign for Primary ciliary dyskinesia. Last evaluated: 2026-01-28. Review status: criteria provided, single submitter. Criteria: Invitae Variant Classification Sherloc (09022015). Collection method: clinical testing. Allele origin: germline.

Blueprint Genetics
Classification: Likely benign. Last evaluated: 2024-11-13. Review status: criteria provided, single submitter. Criteria: ACMG Guidelines, 2015. Collection method: clinical testing. Allele origin: germline.

GeneDx
Classification: Likely benign. Last evaluated: 2018-12-31. Review status: criteria provided, single submitter. Criteria: GeneDx Variant Classification Process June 2021. Collection method: clinical testing. Allele origin: germline. Affected: yes.
Comment: See Variant Classification Assertion Criteria.

Ambry Genetics
Classification: Benign for Primary ciliary dyskinesia. Last evaluated: 2014-06-16. Review status: criteria provided, single submitter. Criteria: Ambry Variant Classification Scheme 2023. Collection method: clinical testing. Allele origin: germline.

Breakthrough Genomics
Classification: Benign. Review status: criteria provided, single submitter. Criteria: ACMG Guidelines, 2015. Collection method: not provided. Allele origin: germline. Inheritance: Autosomal recessive inheritance. Affected: yes.

Natera, Inc.
Classification: Benign for Primary ciliary dyskinesia. Last evaluated: 2020-09-16. Review status: no assertion criteria provided. Collection method: clinical testing. Allele origin: germline. Not counted in ClinVar's aggregate classification.

NM_001369.3(DNAH5):c.12465A>G (p.Gln4155=)

Gene: DNAH5 (dynein axonemal heavy chain 5; minus strand). Cytogenetic location: 5p15.2.
Variant type: single nucleotide variant.
Coding change: c.12465A>G on transcript NM_001369.3 (MANE Select); coding-DNA position 12465, A replaced by G.
Protein change: p.Gln4155=; no amino-acid change (glutamine 4155 retained).
Molecular consequence: synonymous variant.
Genome position (GRCh38, 1-based): chr5:13,718,916, T>C on the plus strand (A>G on the coding strand, the complement: DNAH5 is on the minus strand). VCF-style: chr5-13718916-T-C. GRCh37 (hg19) VCF-style: chr5-13719025-T-C.
Identifiers: ClinVar variation 525508 (VCV000525508.19), dbSNP rs34924315, ClinGen allele CA3201634.